The following is an entry in ClinVar:

ClinVar aggregate classification (germline): Uncertain significance. Review status: criteria provided, multiple submitters, no conflicts (2 of 4 stars). 4 submissions from 3 submitters: Uncertain significance (4). Last evaluated 2024-10-25.

Conditions:
Familial cutaneous telangiectasia and oropharyngeal predisposition cancer syndrome. Identifiers: Orphanet 313846, MedGen C3281203, MONDO:0013806, OMIM 614564.
Seckel syndrome 1 (SCKL1). Also called: MICROCEPHALIC PRIMORDIAL DWARFISM I. Identifiers: Orphanet 808, MedGen C4551474, MONDO:0008869, OMIM 210600.
Inborn genetic diseases. Identifiers: MedGen C0950123, MeSH D030342.

Allele frequency attached by ClinVar (database versions not stated): gnomAD 0.00001; gnomAD exomes 0.00001 and 0.00004; TOPMed 0.00002; ExAC 0.00003.
gnomAD v4.1: 16 of 1,610,790 alleles (0.00099%); highest among the groups gnomAD compares: Admixed American, 0.025%; no homozygotes.

Submissions (4):

Labcorp Genetics (formerly Invitae), Labcorp
Classification: Uncertain significance. Last evaluated: 2024-10-25. Review status: criteria provided, single submitter. Criteria: Invitae Variant Classification Sherloc (09022015). Collection method: clinical testing. Allele origin: germline.
Comment: This sequence change replaces isoleucine, which is neutral and non-polar, with valine, which is neutral and non-polar, at codon 870 of the ATR protein (p.Ile870Val). This variant is present in population databases (rs763994421, gnomAD 0.04%). This variant has not been reported in the literature in individuals affected with ATR-related conditions. ClinVar contains an entry for this variant (Variation ID: 1359752). An algorithm developed to predict the effect of missense changes on protein structure and function (PolyPhen-2) suggests that this variant is likely to be disruptive. In summary, the available evidence is currently insufficient to determine the role of this variant in disease. Therefore, it has been classified as a Variant of Uncertain Significance.

Genome-Nilou Lab
Classification: Uncertain significance for Seckel syndrome 1. Last evaluated: 2023-02-08. Review status: criteria provided, single submitter. Criteria: ACMG Guidelines, 2015. Collection method: clinical testing. Allele origin: germline.

Genome-Nilou Lab
Classification: Uncertain significance for Familial cutaneous telangiectasia and oropharyngeal predisposition cancer syndrome. Last evaluated: 2023-02-08. Review status: criteria provided, single submitter. Criteria: ACMG Guidelines, 2015. Collection method: clinical testing. Allele origin: germline.

Ambry Genetics
Classification: Uncertain significance for Inborn genetic diseases. Last evaluated: 2021-08-27. Review status: criteria provided, single submitter. Criteria: Ambry Variant Classification Scheme 2023. Collection method: clinical testing. Allele origin: germline.
Comment: The p.I870V variant (also known as c.2608A>G), located in coding exon 12 of the ATR gene, results from an A to G substitution at nucleotide position 2608. The isoleucine at codon 870 is replaced by valine, an amino acid with highly similar properties. This amino acid position is conserved. In addition, this alteration is predicted to be tolerated by in silico analysis. Since supporting evidence is limited at this time, the clinical significance of this alteration remains unclear.

NM_001184.4(ATR):c.2608A>G (p.Ile870Val)

Gene: ATR (ATR checkpoint kinase; minus strand). Cytogenetic location: 3q23.
Variant type: single nucleotide variant.
Coding change: c.2608A>G on transcript NM_001184.4 (MANE Select); coding-DNA position 2608, A replaced by G.
Protein change: p.Ile870Val; replaces isoleucine 870 with valine.
Molecular consequence: missense variant.
Genome position (GRCh38, 1-based): chr3:142,553,665, T>C on the plus strand (A>G on the coding strand, the complement: ATR is on the minus strand). VCF-style: chr3-142553665-T-C. GRCh37 (hg19) VCF-style: chr3-142272507-T-C.
Other names: c.2416A>G, p.Ile806Val (NM_001354579.2); short protein forms I806V, I870V.
Identifiers: ClinVar variation 1359752 (VCV001359752.9), dbSNP rs763994421, ClinGen allele CA2650323.